The following is an entry in ClinVar:

ClinVar aggregate classification (germline): Uncertain significance (1 of 4 stars; one submission).

Allele frequency attached by ClinVar (database versions not stated): gnomAD exomes below 0.00001; gnomAD 0.00001.
gnomAD v4.1: 2 of 1,613,804 alleles (0.00012%); highest among the groups gnomAD compares: African/African-American, 0.0013%; no homozygotes.

Submission:

Labcorp Genetics (formerly Invitae), Labcorp
Classification: Uncertain significance. Last evaluated: 2021-08-24. Review status: criteria provided, single submitter. Criteria: Invitae Variant Classification Sherloc (09022015). Collection method: clinical testing. Allele origin: germline.
Comment: This sequence change replaces leucine with isoleucine at codon 3038 of the CDH23 protein (p.Leu3038Ile). The leucine residue is highly conserved and there is a small physicochemical difference between leucine and isoleucine. This variant is not present in population databases (ExAC no frequency). This variant has not been reported in the literature in individuals affected with CDH23-related conditions. Algorithms developed to predict the effect of missense changes on protein structure and function are either unavailable or do not agree on the potential impact of this missense change (SIFT: "Deleterious"; PolyPhen-2: "Not Available"; Align-GVGD: "Class C0"). In summary, the available evidence is currently insufficient to determine the role of this variant in disease. Therefore, it has been classified as a Variant of Uncertain Significance.

NM_022124.6(CDH23):c.9112C>A (p.Leu3038Ile)

Gene: CDH23 (cadherin related 23; plus strand). Cytogenetic location: 10q22.1.
Variant type: single nucleotide variant.
Coding change: c.9112C>A on transcript NM_022124.6 (MANE Select); coding-DNA position 9112, C replaced by A.
Protein change: p.Leu3038Ile; replaces leucine 3038 with isoleucine.
Molecular consequence: missense variant.
Genome position (GRCh38, 1-based): chr10:71,811,349, C>A. VCF-style: chr10-71811349-C-A. GRCh37 (hg19) VCF-style: chr10-73571106-C-A.
Other names: c.2392C>A, p.Leu798Ile (NM_001171933.1, NM_001171934.1); short protein forms L798I, L3038I.
Identifiers: ClinVar variation 848308 (VCV000848308.7), dbSNP rs1409501701, ClinGen allele CA377134349.